The following is an entry in ClinVar:

NM_001292063.2(OTOG):c.4238G>A (p.Arg1413Gln)

Gene: OTOG (otogelin; plus strand). Cytogenetic location: 11p15.1.
Variant type: single nucleotide variant.
Coding change: c.4238G>A on transcript NM_001292063.2 (MANE Select); coding-DNA position 4238, G replaced by A.
Protein change: p.Arg1413Gln; replaces arginine 1413 with glutamine.
Molecular consequence: missense variant.
Genome position (GRCh38, 1-based): chr11:17,608,377, G>A. VCF-style: chr11-17608377-G-A. GRCh37 (hg19) VCF-style: chr11-17629924-G-A.
Other names: c.4274G>A, p.Arg1425Gln (NM_001277269.2); short protein forms R1425Q, R1413Q.
Identifiers: ClinVar variation 504783 (VCV000504783.18), dbSNP rs143848095, ClinGen allele CA5905825.

ClinVar aggregate classification (germline): Benign/Likely benign. Review status: criteria provided, multiple submitters, no conflicts (2 of 4 stars). 6 submissions from 6 submitters: Benign (1); Likely benign (5). Last evaluated 2026-01-17.

Conditions:
Autosomal recessive nonsyndromic hearing loss 18B. Also called: Deafness, autosomal recessive 18b. Identifiers: Orphanet 90636, MedGen C3554163, MONDO:0013985, OMIM 614945.

Allele frequency attached by ClinVar (database versions not stated): gnomAD exomes 0.00024 and 0.00051; ExAC 0.00093; gnomAD 0.00240 and 0.00260; TOPMed 0.00274; 1000 Genomes Project 0.00280; 1000 Genomes Project 30x 0.00359.
gnomAD v4.1: 720 of 1,546,540 alleles (0.047%); highest among the groups gnomAD compares: African/African-American, 0.85%; 1 homozygote.

Submissions (6):

Labcorp Genetics (formerly Invitae), Labcorp
Classification: Benign. Last evaluated: 2026-01-17. Review status: criteria provided, single submitter. Criteria: Invitae Variant Classification Sherloc (09022015). Collection method: clinical testing. Allele origin: germline.

Blueprint Genetics
Classification: Likely benign. Last evaluated: 2024-11-27. Review status: criteria provided, single submitter. Criteria: ACMG Guidelines, 2015. Collection method: clinical testing. Allele origin: germline.

Fulgent Genetics
Classification: Likely benign for Autosomal recessive nonsyndromic hearing loss 18B. Last evaluated: 2021-07-28. Review status: criteria provided, single submitter. Criteria: ACMG Guidelines, 2015. Collection method: clinical testing. Allele origin: unknown.

GeneDx
Classification: Likely benign. Last evaluated: 2020-11-12. Review status: criteria provided, single submitter. Criteria: GeneDx Variant Classification Process June 2021. Collection method: clinical testing. Allele origin: germline. Affected: yes.

Athena Diagnostics
Classification: Likely benign. Last evaluated: 2018-11-14. Review status: criteria provided, single submitter. Criteria: Athena Diagnostics Criteria. Collection method: clinical testing. Allele origin: germline.

Laboratory for Molecular Medicine, Mass General Brigham Personalized Medicine
Classification: Likely benign. Last evaluated: 2014-11-24. Review status: criteria provided, single submitter. Criteria: LMM Criteria. Collection method: clinical testing. Allele origin: germline. Observed: 2 variant alleles.
Comment: Arg1425Gln in exon 33 of OTOG: This variant is not expected to have clinical sig nificance because it has been identified in 1.0% (5/492) of African chromosomes from a broad population by the 1000 Genomes Project (/projects/SNP; dbSNP rs143848095).